The following is an entry in ClinVar:

ClinVar aggregate classification (germline): Uncertain significance (1 of 4 stars; one submission).

Conditions:
TRIM32-related disorder. Also called: TRIM32-related condition.

gnomAD v4.1: 1 of 1,614,202 alleles (0.000062%); highest among the groups gnomAD compares: South Asian, 0.0011%; no homozygotes.

Submission:

PreventionGenetics, part of Exact Sciences
Classification: Uncertain significance for TRIM32-related condition. Last evaluated: 2026-08-19. Review status: criteria provided, single submitter. Criteria: ACMG Guidelines, 2015. Collection method: clinical testing. Allele origin: germline.
Comment: The TRIM32 c.158C>T variant is predicted to result in the amino acid substitution p.Ala53Val. To our knowledge, this variant has not been reported in the literature or in a large population database (gnomAD), indicating this variant is rare. At this time, the clinical significance of this variant is uncertain due to the absence of conclusive functional and genetic evidence.

NM_012210.4(TRIM32):c.158C>T (p.Ala53Val)

Genes: ASTN2 (astrotactin 2; minus strand), TRIM32 (tripartite motif containing 32; plus strand). Cytogenetic location: 9q33.1.
Variant type: single nucleotide variant.
Coding change: c.158C>T on transcript NM_012210.4 (MANE Select); coding-DNA position 158, C replaced by T.
Protein change: p.Ala53Val; replaces alanine 53 with valine.
Molecular consequence: missense variant. On other transcripts: intron variant (3).
Genome position (GRCh38, 1-based): chr9:116,697,900, C>T. VCF-style: chr9-116697900-C-T. GRCh37 (hg19) VCF-style: chr9-119460179-C-T.
Other names: c.158C>T, p.Ala53Val (NM_001099679.2, NM_001379048.1, NM_001379049.1 and 1 more transcripts); c.2653+27871G>A (NM_014010.5); c.2794+27871G>A (NM_001365069.1); c.2806+27871G>A (NM_001365068.1); short protein forms A53V.
Identifiers: ClinVar variation 4996191 (VCV004996191.1).
Genomic context (GRCh38, chr9:116,697,900, plus strand): 5'-GTCCCAAGCTTCTGCACTGTGGCCATACCATCTGCCGCCAGTGCCTGGAGAAGCTATTGG[C>T]CAGTAGCATCAATGGTGTCCGCTGTCCCTTTTGCAGCAAGATTACCCGCATAACCAGCTT-3'
Protein context (NP_036342.2, residues 43-63): ICRQCLEKLL[Ala53Val]SSINGVRCPF